The following is an entry in ClinVar:

ClinVar aggregate classification (germline): Conflicting classifications of pathogenicity. Review status: criteria provided, conflicting classifications (1 of 4 stars). 2 submissions from 2 submitters: Uncertain significance (1); Likely benign (1). Last evaluated 2022-06-14.

Conditions:
Leigh syndrome (NULS). Also called: Subacute necrotizing encephalopathy; Necrotizing encephalopathy infantile subacute of Leigh; Leigh's syndrome; Leigh Disease; LEIGH SYNDROME, NUCLEAR; Leigh's necrotizing encephalopathy. Identifiers: Orphanet 506, MedGen C2931891, MONDO:0009723, OMIM 256000.

Allele frequency attached by ClinVar (database versions not stated): gnomAD exomes 0.00001; ExAC 0.00002.
gnomAD v4.1: 15 of 1,613,716 alleles (0.00093%); highest among the groups gnomAD compares: South Asian, 0.016%; no homozygotes.

Submissions (2):

Labcorp Genetics (formerly Invitae), Labcorp
Classification: Uncertain significance for Leigh syndrome. Last evaluated: 2022-06-14. Review status: criteria provided, single submitter. Criteria: Invitae Variant Classification Sherloc (09022015). Collection method: clinical testing. Allele origin: germline.
Comment: This sequence change replaces threonine, which is neutral and polar, with proline, which is neutral and non-polar, at codon 297 of the SURF1 protein (p.Thr297Pro). This variant is present in population databases (rs782620122, gnomAD 0.007%). This variant has not been reported in the literature in individuals affected with SURF1-related conditions. ClinVar contains an entry for this variant (Variation ID: 215227). Algorithms developed to predict the effect of missense changes on protein structure and function output the following: SIFT: "Tolerated"; PolyPhen-2: "Benign"; Align-GVGD: "Class C0". The proline amino acid residue is found in multiple mammalian species, which suggests that this missense change does not adversely affect protein function. In summary, the available evidence is currently insufficient to determine the role of this variant in disease. Therefore, it has been classified as a Variant of Uncertain Significance.

GeneDx
Classification: Likely benign. Last evaluated: 2012-04-30. Review status: criteria provided, single submitter. Criteria: GeneDx Variant Classification (06012015). Collection method: clinical testing. Allele origin: germline. Affected: yes.
Comment: This variant is considered likely benign or benign based on one or more of the following criteria: it is a conservative change, it occurs at a poorly conserved position in the protein, it is predicted to be benign by multiple in silico algorithms, and/or has population frequency not consistent with disease.

NM_003172.4(SURF1):c.889A>C (p.Thr297Pro)

Gene: SURF1 (SURF1 cytochrome c oxidase assembly factor; minus strand). Cytogenetic location: 9q34.2.
Variant type: single nucleotide variant.
Coding change: c.889A>C on transcript NM_003172.4 (MANE Select); coding-DNA position 889, A replaced by C.
Protein change: p.Thr297Pro; replaces threonine 297 with proline.
Molecular consequence: missense variant.
Genome position (GRCh38, 1-based): chr9:133,351,927, T>G on the plus strand (A>C on the coding strand, the complement: SURF1 is on the minus strand). VCF-style: chr9-133351927-T-G. GRCh37 (hg19) VCF-style: chr9-136218782-T-G.
Other names: p.T297P:ACA>CCA; c.562A>C, p.Thr188Pro (NM_001280787.1); short protein forms T297P, T188P.
Identifiers: ClinVar variation 215227 (VCV000215227.3), dbSNP rs782620122, ClinGen allele CA324187.